The following is an entry in ClinVar:

ClinVar aggregate classification (germline): Uncertain significance (1 of 4 stars; one submission).

Conditions:
Cardiovascular phenotype. Identifiers: MedGen CN230736.

Submission:

Ambry Genetics
Classification: Uncertain significance for Cardiovascular phenotype. Last evaluated: 2024-11-01. Review status: criteria provided, single submitter. Criteria: Ambry Variant Classification Scheme 2023. Collection method: clinical testing. Allele origin: germline.
Comment: The p.V449A variant (also known as c.1346T>C), located in coding exon 1 of the DOLK gene, results from a T to C substitution at nucleotide position 1346. The valine at codon 449 is replaced by alanine, an amino acid with similar properties. This amino acid position is conserved. In addition, this alteration is predicted to be deleterious by in silico analysis. Based on the available evidence, the clinical significance of this variant remains unclear.

NM_014908.4(DOLK):c.1346T>C (p.Val449Ala)

Gene: DOLK (dolichol kinase; minus strand). Cytogenetic location: 9q34.11.
Variant type: single nucleotide variant.
Coding change: c.1346T>C on transcript NM_014908.4 (MANE Select); coding-DNA position 1346, T replaced by C.
Protein change: p.Val449Ala; replaces valine 449 with alanine.
Molecular consequence: missense variant.
Genome position (GRCh38, 1-based): chr9:128,945,958, A>G on the plus strand (T>C on the coding strand, the complement: DOLK is on the minus strand). VCF-style: chr9-128945958-A-G. GRCh37 (hg19) VCF-style: chr9-131708237-A-G.
Other names: short protein forms V449A.
Identifiers: ClinVar variation 3504705 (VCV003504705.1).